The following is an entry in ClinVar:

NM_002936.6(RNASEH1):c.34G>T (p.Ala12Ser)

Genes: RNASEH1 (ribonuclease H1; minus strand), LOC129933002 (ATAC-STARR-seq lymphoblastoid active region 15231; plus strand). Cytogenetic location: 2p25.3.
Variant type: single nucleotide variant.
Coding change: c.34G>T on transcript NM_002936.6 (MANE Select); coding-DNA position 34, G replaced by T.
Protein change: p.Ala12Ser; replaces alanine 12 with serine.
Molecular consequence: missense variant. On other transcripts: 5 prime UTR variant (2), non-coding transcript variant (7).
Genome position (GRCh38, 1-based): chr2:3,558,227, C>A on the plus strand (G>T on the coding strand, the complement: RNASEH1 is on the minus strand). VCF-style: chr2-3558227-C-A. GRCh37 (hg19) VCF-style: chr2-3605817-C-A.
Other names: c.-45G>T (NM_001286834.3); c.-556G>T (NM_001286837.3); c.34G>T, p.Ala12Ser (NM_001378271.1, NM_001378272.1, NM_001378273.1); short protein forms A12S.
Identifiers: ClinVar variation 4765627 (VCV004765627.1).

ClinVar aggregate classification (germline): Uncertain significance (1 of 4 stars; one submission).

gnomAD v4.1: 3 of 1,598,796 alleles (0.00019%); highest among the groups gnomAD compares: African/African-American, 0.0014%; no homozygotes.

Submission:

Labcorp Genetics (formerly Invitae), Labcorp
Classification: Uncertain significance. Last evaluated: 2025-04-09. Review status: criteria provided, single submitter. Criteria: Invitae Variant Classification Sherloc (09022015). Collection method: clinical testing. Allele origin: germline.
Comment: This sequence change replaces alanine, which is neutral and non-polar, with serine, which is neutral and polar, at codon 12 of the RNASEH1 protein (p.Ala12Ser). This variant is not present in population databases (gnomAD no frequency). This variant has not been reported in the literature in individuals affected with RNASEH1-related conditions. An algorithm developed to predict the effect of missense changes on protein structure and function outputs the following: PolyPhen-2: "Benign". The serine amino acid residue is found in multiple mammalian species, which suggests that this missense change does not adversely affect protein function. In summary, the available evidence is currently insufficient to determine the role of this variant in disease. Therefore, it has been classified as a Variant of Uncertain Significance.